The following is an entry in ClinVar:

NM_000376.3(VDR):c.781G>A (p.Val261Ile)

Gene: VDR (vitamin D receptor; minus strand). Cytogenetic location: 12q13.11.
Variant type: single nucleotide variant.
Coding change: c.781G>A on transcript NM_000376.3 (MANE Select); coding-DNA position 781, G replaced by A.
Protein change: p.Val261Ile; replaces valine 261 with isoleucine.
Molecular consequence: missense variant.
Genome position (GRCh38, 1-based): chr12:47,846,783, C>T on the plus strand (G>A on the coding strand, the complement: VDR is on the minus strand). VCF-style: chr12-47846783-C-T. GRCh37 (hg19) VCF-style: chr12-48240566-C-T.
Other names: c.781G>A, p.Val261Ile (NM_001017535.2, NM_001364085.2, NM_001374661.1 and 1 more transcripts); c.931G>A, p.Val311Ile (NM_001017536.2); short protein forms V311I, V261I.
Identifiers: ClinVar variation 1516080 (VCV001516080.5), dbSNP rs746214307, ClinGen allele CA6533852.
Genomic context (GRCh38, chr12:47,846,783, plus strand): 5'-TGGTGAAGGACTCATTGGAGCGCAACATGATGACCTCAATGGCACTTGACTTCAGCAGTA[C>T]GATCTGGTCCTCAGAGGTGAGGTCTCTGCAGGGGAGGGAGGGAAGGAGGTCAGGTTACCA-3'
Protein context (NP_000367.1, residues 251-271): FRDLTSEDQI[Val261Ile]LLKSSAIEVI

ClinVar aggregate classification (germline): Uncertain significance. Review status: criteria provided, multiple submitters, no conflicts (2 of 4 stars). 3 submissions from 3 submitters: Uncertain significance (3). Last evaluated 2024-01-11.

Conditions:
VDR-related disorder. Also called: VDR-related condition.
Vitamin D-dependent rickets type II with alopecia (VDDR2A). Also called: Vitamin D-dependent rickets, type 2A; GENERALIZED RESISTANCE TO 1,25-DIHYDROXYVITAMIN D; HYPOCALCEMIC VITAMIN D-RESISTANT RICKETS; PDDR IIA; PSEUDOVITAMIN D-DEFICIENCY, TYPE IIA; RICKETS, HEREDITARY VITAMIN D-RESISTANT. Identifiers: Orphanet 93160, MedGen C0342646, MONDO:0010186, OMIM 277440.

Allele frequency attached by ClinVar (database versions not stated): TOPMed below 0.00001; gnomAD 0.00003.

Submissions (3):

Fulgent Genetics
Classification: Uncertain significance for Vitamin D-dependent rickets type II with alopecia. Last evaluated: 2024-01-11. Review status: criteria provided, single submitter. Criteria: ACMG Guidelines, 2015. Collection method: clinical testing. Allele origin: germline.

PreventionGenetics, part of Exact Sciences
Classification: Uncertain significance for VDR-related condition. Last evaluated: 2023-03-22. Review status: criteria provided, single submitter. Criteria: ACMG Guidelines, 2015. Collection method: clinical testing. Allele origin: germline.
Comment: The VDR c.781G>A variant is predicted to result in the amino acid substitution p.Val261Ile. This variant was reported in an individual with susceptibility to COVID-19 (Benetti et al. 2020. PubMed ID: 33206719). This variant is reported in 0.023% of alleles in individuals of South Asian descent in gnomAD. At this time, the clinical significance of this variant is uncertain due to the absence of conclusive functional and genetic evidence.

Labcorp Genetics (formerly Invitae), Labcorp
Classification: Uncertain significance. Last evaluated: 2022-08-09. Review status: criteria provided, single submitter. Criteria: Invitae Variant Classification Sherloc (09022015). Collection method: clinical testing. Allele origin: germline.
Comment: This sequence change replaces valine, which is neutral and non-polar, with isoleucine, which is neutral and non-polar, at codon 261 of the VDR protein (p.Val261Ile). This variant is present in population databases (rs746214307, gnomAD 0.02%). This variant has not been reported in the literature in individuals affected with VDR-related conditions. ClinVar contains an entry for this variant (Variation ID: 1516080). Algorithms developed to predict the effect of missense changes on protein structure and function (SIFT, PolyPhen-2, Align-GVGD) all suggest that this variant is likely to be tolerated. In summary, the available evidence is currently insufficient to determine the role of this variant in disease. Therefore, it has been classified as a Variant of Uncertain Significance.